The following is an entry in ClinVar:

ClinVar aggregate classification (germline): Uncertain significance (1 of 4 stars; one submission).

Conditions:
Holoprosencephaly 11 (HPE11). Identifiers: Orphanet 2162, MedGen C3280215, MONDO:0013642, OMIM 614226.

Submission:

Labcorp Genetics (formerly Invitae), Labcorp
Classification: Uncertain significance for Holoprosencephaly 11. Last evaluated: 2023-07-06. Review status: criteria provided, single submitter. Criteria: Invitae Variant Classification Sherloc (09022015). Collection method: clinical testing. Allele origin: germline.
Comment: This sequence change replaces cysteine, which is neutral and slightly polar, with tyrosine, which is neutral and polar, at codon 1108 of the CDON protein (p.Cys1108Tyr). This variant is not present in population databases (gnomAD no frequency). This variant has not been reported in the literature in individuals affected with CDON-related conditions. Advanced modeling of protein sequence and biophysical properties (such as structural, functional, and spatial information, amino acid conservation, physicochemical variation, residue mobility, and thermodynamic stability) performed at Invitae indicates that this missense variant is not expected to disrupt CDON protein function. In summary, the available evidence is currently insufficient to determine the role of this variant in disease. Therefore, it has been classified as a Variant of Uncertain Significance.

NM_001378964.1(CDON):c.3323G>A (p.Cys1108Tyr)

Gene: CDON (cell adhesion associated, oncogene regulated; minus strand). Cytogenetic location: 11q24.2.
Variant type: single nucleotide variant.
Coding change: c.3323G>A on transcript NM_001378964.1 (MANE Select); coding-DNA position 3323, G replaced by A.
Protein change: p.Cys1108Tyr; replaces cysteine 1108 with tyrosine.
Molecular consequence: missense variant.
Genome position (GRCh38, 1-based): chr11:125,978,337, C>T on the plus strand (G>A on the coding strand, the complement: CDON is on the minus strand). VCF-style: chr11-125978337-C-T. GRCh37 (hg19) VCF-style: chr11-125848232-C-T.
Other names: c.3323G>A, p.Cys1108Tyr (NM_016952.6, NM_001243597.3); short protein forms C1108Y.
Identifiers: ClinVar variation 2747287 (VCV002747287.3), dbSNP rs1946201290, ClinGen allele CA383198111.